The following is an entry in ClinVar:

ClinVar aggregate classification (germline): Pathogenic (1 of 4 stars; one submission).

Conditions:
Dilated cardiomyopathy 1KK (CMD1KK). Identifiers: Orphanet 154, Orphanet 75249, MedGen C3714995, MONDO:0014100, OMIM 615248.

Submission:

Labcorp Genetics (formerly Invitae), Labcorp
Classification: Pathogenic for Dilated cardiomyopathy 1KK. Last evaluated: 2022-08-31. Review status: criteria provided, single submitter. Criteria: Invitae Variant Classification Sherloc (09022015). Collection method: clinical testing. Allele origin: germline.
Comment: This variant is a gross deletion of the genomic region encompassing exon(s) 7-10 of the MYPN gene. This deletion is out-of-frame, and is expected to create a premature termination codon and result in an absent or disrupted protein product. Loss-of-function variants in MYPN are known to be pathogenic (PMID: 28017374). For these reasons, this variant has been classified as Pathogenic. This variant has not been reported in the literature in individuals affected with MYPN-related conditions.

Literature cited by the submitters: PubMed 28017374.

NC_000010.10:g.(?_69918233)_(69926433_?)del

Gene: MYPN (myopalladin; plus strand). Cytogenetic location: 10q21.3.
Variant type: Deletion.
Identifiers: ClinVar variation 1070620 (VCV001070620.6).